The following is an entry in ClinVar:

NM_000173.7(GP1BA):c.1541G>A (p.Ser514Asn)

Gene: GP1BA (glycoprotein Ib platelet subunit alpha; plus strand). Cytogenetic location: 17p13.2.
Variant type: single nucleotide variant.
Coding change: c.1541G>A on transcript NM_000173.7 (MANE Select); coding-DNA position 1541, G replaced by A.
Protein change: p.Ser514Asn; replaces serine 514 with asparagine.
Molecular consequence: missense variant.
Genome position (GRCh38, 1-based): chr17:4,934,145, G>A. VCF-style: chr17-4934145-G-A. GRCh37 (hg19) VCF-style: chr17-4837440-G-A.
Other names: short protein forms S514N.
Identifiers: ClinVar variation 2501892 (VCV002501892.2), dbSNP rs368255522, ClinGen allele CA8315018.

ClinVar aggregate classification (germline): Uncertain significance. Review status: criteria provided, multiple submitters, no conflicts (2 of 4 stars). 2 submissions from 2 submitters: Uncertain significance (2). Last evaluated 2024-06-10.

Allele frequency attached by ClinVar (database versions not stated): ExAC 0.00005; gnomAD 0.00005; TOPMed 0.00005; ESP Exome Variant Server 0.00008; gnomAD exomes 0.00008.

Submissions (2):

Blueprint Genetics
Classification: Uncertain significance. Last evaluated: 2024-06-10. Review status: criteria provided, single submitter. Criteria: ACMG Guidelines, 2015. Collection method: clinical testing. Allele origin: germline.

GeneDx
Classification: Uncertain significance. Last evaluated: 2022-11-08. Review status: criteria provided, single submitter. Criteria: GeneDx Variant Classification Process June 2021. Collection method: clinical testing. Allele origin: germline. Affected: yes.
Comment: In silico analysis supports that this missense variant does not alter protein structure/function; Has not been previously published as pathogenic or benign to our knowledge